The following is an entry in ClinVar:

ClinVar aggregate classification (germline): Uncertain significance (1 of 4 stars; one submission).

gnomAD v4.1: 2 of 1,589,356 alleles (0.00013%); no homozygotes.

Submission:

Labcorp Genetics (formerly Invitae), Labcorp
Classification: Uncertain significance. Last evaluated: 2023-01-13. Review status: criteria provided, single submitter. Criteria: Invitae Variant Classification Sherloc (09022015). Collection method: clinical testing. Allele origin: germline.
Comment: In summary, the available evidence is currently insufficient to determine the role of this variant in disease. Therefore, it has been classified as a Variant of Uncertain Significance. Algorithms developed to predict the effect of missense changes on protein structure and function (SIFT, PolyPhen-2, Align-GVGD) all suggest that this variant is likely to be disruptive. This variant has not been reported in the literature in individuals affected with RIMS1-related conditions. This variant is not present in population databases (gnomAD no frequency). This sequence change replaces arginine, which is basic and polar, with glycine, which is neutral and non-polar, at codon 1447 of the RIMS1 protein (p.Arg1447Gly).

NM_014989.7(RIMS1):c.4339A>G (p.Arg1447Gly)

Gene: RIMS1 (regulating synaptic membrane exocytosis 1; plus strand). Cytogenetic location: 6q13.
Variant type: single nucleotide variant.
Coding change: c.4339A>G on transcript NM_014989.7 (MANE Select); coding-DNA position 4339, A replaced by G.
Protein change: p.Arg1447Gly; replaces arginine 1447 with glycine.
Molecular consequence: missense variant. On other transcripts: intron variant (24).
Genome position (GRCh38, 1-based): chr6:72,333,808, A>G. VCF-style: chr6-72333808-A-G. GRCh37 (hg19) VCF-style: chr6-73043511-A-G.
Other names: c.1693+41762A>G (NM_001350472.2); c.2299A>G, p.Arg767Gly (NM_001168407.2); c.2260A>G, p.Arg754Gly (NM_001350414.2); c.2356A>G, p.Arg786Gly (NM_001350415.2); c.2305A>G, p.Arg769Gly (NM_001350416.2); c.2278A>G, p.Arg760Gly (NM_001350418.2); c.2413A>G, p.Arg805Gly (NM_001350420.2); c.2158A>G, p.Arg720Gly (NM_001350421.2); and 53 more; short protein forms R1447G, R636G, R687G, R693G, R727G, R743G, R750G, R754G.
Identifiers: ClinVar variation 2828017 (VCV002828017.3), dbSNP rs2096750869, ClinGen allele CA364693370.